The following is an entry in ClinVar:

NM_004168.4(SDHA):c.1884C>T (p.Ser628=)

Gene: SDHA (succinate dehydrogenase complex flavoprotein subunit A; plus strand). Cytogenetic location: 5p15.33.
Variant type: single nucleotide variant.
Coding change: c.1884C>T on transcript NM_004168.4 (MANE Select); coding-DNA position 1884, C replaced by T.
Protein change: p.Ser628=; no amino-acid change (serine 628 retained).
Molecular consequence: synonymous variant.
Genome position (GRCh38, 1-based): chr5:254,482, C>T. VCF-style: chr5-254482-C-T. GRCh37 (hg19) VCF-style: chr5-254597-C-T.
Other names: c.1740C>T, p.Ser580= (NM_001294332.2); c.1641C>T, p.Ser547= (NM_001330758.2); c.1884C>T (NM_004168.2).
Identifiers: ClinVar variation 1634898 (VCV001634898.10), dbSNP rs1224468457, ClinGen allele CA359002145.

ClinVar aggregate classification (germline): Benign/Likely benign. Review status: criteria provided, multiple submitters, no conflicts (2 of 4 stars). 3 submissions from 3 submitters: Benign (1); Likely benign (2). Last evaluated 2025-03-11.

Conditions:
Pheochromocytoma/paraganglioma syndrome 5. Also called: Paragangliomas 5; SDHA-Related Hereditary Paraganglioma-Pheochromocytoma Syndrome. Identifiers: Orphanet 29072, MedGen C3279992, MONDO:0013602, OMIM 614165.
Mitochondrial complex II deficiency, nuclear type 1. Also called: SUCCINATE CoQ REDUCTASE DEFICIENCY. Identifiers: Orphanet 3208, MedGen C5700310, MONDO:0100294, OMIM 252011.
Hereditary cancer-predisposing syndrome. Also called: Tumor predisposition; Hereditary Cancer Syndrome; Hereditary neoplastic syndrome; Neoplastic Syndromes, Hereditary. Identifiers: Orphanet 140162, MedGen C0027672, MeSH D009386, MONDO:0015356.

Allele frequency attached by ClinVar (database versions not stated): TOPMed 0.00001.
gnomAD v4.1: 1 of 1,578,782 alleles (0.000063%); highest among the groups gnomAD compares: East Asian, 0.0023%; no homozygotes.

Submissions (3):

Myriad Genetics, Inc.
Classification: Benign for Pheochromocytoma/paraganglioma syndrome 5. Last evaluated: 2025-03-11. Review status: criteria provided, single submitter. Criteria: Myriad Autosomal Dominant, Autosomal Recessive and X-Linked Classification Criteria (2023). Collection method: clinical testing. Allele origin: unknown.
Comment: This variant is considered benign. This variant is a silent/synonymous amino acid change and it is not expected to impact splicing.

Ambry Genetics
Classification: Likely benign for Hereditary cancer-predisposing syndrome. Last evaluated: 2024-02-11. Review status: criteria provided, single submitter. Criteria: Ambry Variant Classification Scheme 2023. Collection method: clinical testing. Allele origin: germline.

Labcorp Genetics (formerly Invitae), Labcorp
Classification: Likely benign for Pheochromocytoma/paraganglioma syndrome 5; Mitochondrial complex II deficiency, nuclear type 1. Last evaluated: 2022-06-10. Review status: criteria provided, single submitter. Criteria: Invitae Variant Classification Sherloc (09022015). Collection method: clinical testing. Allele origin: germline.